The following is an entry in ClinVar:

ClinVar aggregate classification (germline): Uncertain significance (1 of 4 stars; one submission).

gnomAD v4.1: 164 of 1,614,094 alleles (0.01%); highest among the groups gnomAD compares: Non-Finnish European, 0.012%; no homozygotes.

Submission:

Labcorp Genetics (formerly Invitae), Labcorp
Classification: Uncertain significance. Last evaluated: 2025-06-01. Review status: criteria provided, single submitter. Criteria: Invitae Variant Classification Sherloc (09022015). Collection method: clinical testing. Allele origin: germline.
Comment: This sequence change replaces serine, which is neutral and polar, with leucine, which is neutral and non-polar, at codon 268 of the CETP protein (p.Ser268Leu). This variant is present in population databases (rs747307952, gnomAD 0.05%), and has an allele count higher than expected for a pathogenic variant. This variant has not been reported in the literature in individuals affected with CETP-related conditions. Invitae Evidence Modeling of protein sequence and biophysical properties (such as structural, functional, and spatial information, amino acid conservation, physicochemical variation, residue mobility, and thermodynamic stability) indicates that this missense variant is not expected to disrupt CETP protein function with a negative predictive value of 80%. Experimental studies are conflicting or provide insufficient evidence to determine the effect of this variant on CETP function (PMID: 38039300). In summary, the available evidence is currently insufficient to determine the role of this variant in disease. Therefore, it has been classified as a Variant of Uncertain Significance.

Literature cited by the submitters: PubMed 38039300.

NM_000078.3(CETP):c.803C>T (p.Ser268Leu)

Gene: CETP (cholesteryl ester transfer protein; plus strand). Cytogenetic location: 16q13.
Variant type: single nucleotide variant.
Coding change: c.803C>T on transcript NM_000078.3 (MANE Select); coding-DNA position 803, C replaced by T.
Protein change: p.Ser268Leu; replaces serine 268 with leucine.
Molecular consequence: missense variant. On other transcripts: intron variant (1).
Genome position (GRCh38, 1-based): chr16:56,973,383, C>T. VCF-style: chr16-56973383-C-T. GRCh37 (hg19) VCF-style: chr16-57007295-C-T.
Other names: c.750+1300C>T (NM_001286085.2); short protein forms S268L.
Identifiers: ClinVar variation 4710268 (VCV004710268.1).